The following is an entry in ClinVar:

NM_198578.4(LRRK2):c.4808T>C (p.Leu1603Pro)

Gene: LRRK2 (leucine rich repeat kinase 2; plus strand). Cytogenetic location: 12q12.
Variant type: single nucleotide variant.
Coding change: c.4808T>C on transcript NM_198578.4 (MANE Select); coding-DNA position 4808, T replaced by C.
Protein change: p.Leu1603Pro; replaces leucine 1603 with proline.
Molecular consequence: missense variant.
Genome position (GRCh38, 1-based): chr12:40,315,281, T>C. VCF-style: chr12-40315281-T-C. GRCh37 (hg19) VCF-style: chr12-40709083-T-C.
Other names: short protein forms L1603P.
Identifiers: ClinVar variation 1743237 (VCV001743237.3), dbSNP rs1376748086, ClinGen allele CA384419331.

ClinVar aggregate classification (germline): Uncertain significance (1 of 4 stars; one submission).

Conditions:
Inborn genetic diseases. Identifiers: MedGen C0950123, MeSH D030342.

Allele frequency attached by ClinVar (database versions not stated): TOPMed below 0.00001; gnomAD 0.00001; gnomAD exomes 0.00003.
gnomAD v4.1: 16 of 1,612,514 alleles (0.00099%); highest among the groups gnomAD compares: East Asian, 0.036%; no homozygotes.

Submission:

Ambry Genetics
Classification: Uncertain significance for Inborn genetic diseases. Last evaluated: 2024-06-14. Review status: criteria provided, single submitter. Criteria: Ambry Variant Classification Scheme 2023. Collection method: clinical testing. Allele origin: germline.
Comment: The p.L1603P variant (also known as c.4808T>C), located in coding exon 33 of the LRRK2 gene, results from a T to C substitution at nucleotide position 4808. The leucine at codon 1603 is replaced by proline, an amino acid with similar properties. This amino acid position is conserved. In addition, this alteration is predicted to be deleterious by in silico analysis. Since supporting evidence is limited at this time, the clinical significance of this alteration remains unclear.